The following is an entry in ClinVar:

ClinVar aggregate classification (germline): Uncertain significance (1 of 4 stars; one submission).

Allele frequency attached by ClinVar (database versions not stated): ExAC 0.00001; gnomAD exomes 0.00003; ESP Exome Variant Server 0.00008; gnomAD 0.00009.
gnomAD v4.1: 30 of 677,972 alleles (0.0044%); highest among the groups gnomAD compares: African/African-American, 0.049%; no homozygotes.

Submission:

Labcorp Genetics (formerly Invitae), Labcorp
Classification: Uncertain significance. Last evaluated: 2022-08-16. Review status: criteria provided, single submitter. Criteria: Invitae Variant Classification Sherloc (09022015). Collection method: clinical testing. Allele origin: germline.
Comment: In summary, the available evidence is currently insufficient to determine the role of this variant in disease. Therefore, it has been classified as a Variant of Uncertain Significance. Variants that disrupt the consensus splice site are a relatively common cause of aberrant splicing (PMID: 17576681, 9536098). Algorithms developed to predict the effect of sequence changes on RNA splicing suggest that this variant is not likely to affect RNA splicing. This variant has not been reported in the literature in individuals affected with TJP2-related conditions. This variant is present in population databases (rs369180347, gnomAD 0.02%). This sequence change falls in intron 12 of the TJP2 gene. It does not directly change the encoded amino acid sequence of the TJP2 protein. It affects a nucleotide within the consensus splice site.

Literature cited by the submitters: PubMed 17576681; PubMed 9536098.

NM_004817.4(TJP2):c.1780+6C>A

Gene: TJP2 (tight junction protein 2; plus strand). Cytogenetic location: 9q21.11.
Variant type: single nucleotide variant.
Coding change: c.1780+6C>A on transcript NM_004817.4 (MANE Select); 6 bases into the intron after coding-DNA position 1780, C replaced by A.
Molecular consequence: intron variant.
Genome position (GRCh38, 1-based): chr9:69,234,553, C>A. VCF-style: chr9-69234553-C-A. GRCh37 (hg19) VCF-style: chr9-71849469-C-A.
Other names: c.1711+6C>A (NM_001170414.2, NM_001369871.1); c.1705+6C>A (NM_001369870.1); c.1780+6C>A (NM_201629.3, NM_001369872.1, NM_001369873.1); c.1792+6C>A (NM_001170415.1, NM_001369875.1, NM_001369874.1); c.1873+6C>A (NM_001170416.2).
Identifiers: ClinVar variation 1920291 (VCV001920291.4), dbSNP rs369180347, ClinGen allele CA5073456.